The following is an entry in ClinVar:

NM_006218.4(PIK3CA):c.516A>C (p.Glu172Asp)

Gene: PIK3CA (phosphatidylinositol-4,5-bisphosphate 3-kinase catalytic subunit alpha; plus strand). Cytogenetic location: 3q26.32.
Variant type: single nucleotide variant.
Coding change: c.516A>C on transcript NM_006218.4 (MANE Select); coding-DNA position 516, A replaced by C.
Protein change: p.Glu172Asp; replaces glutamic acid 172 with aspartic acid.
Molecular consequence: missense variant.
Genome position (GRCh38, 1-based): chr3:179,199,853, A>C. VCF-style: chr3-179199853-A-C. GRCh37 (hg19) VCF-style: chr3-178917641-A-C.
Other names: short protein forms E172D.
Identifiers: ClinVar variation 3418534 (VCV003418534.1).
Genomic context (GRCh38, chr3:179,199,853, plus strand): 5'-TCTTAGGGACCTCAATTCACCTCATAGTAGAGCAATGTATGTCTATCCTCCAAATGTAGA[A>C]TCTTCACCAGAATTGCCAAAGCACATATATAATAAATTAGATAAAGGTAAGAAAATGACT-3'
Protein context (NP_006209.2, residues 162-182): RAMYVYPPNV[Glu172Asp]SSPELPKHIY

ClinVar aggregate classification (germline): Uncertain significance (1 of 4 stars; one submission).

Conditions:
Inborn genetic diseases. Identifiers: MedGen C0950123, MeSH D030342.

Submission:

Ambry Genetics
Classification: Uncertain significance for Inborn genetic diseases. Last evaluated: 2024-09-25. Review status: criteria provided, single submitter. Criteria: Ambry Variant Classification Scheme 2023. Collection method: clinical testing. Allele origin: germline.
Comment: The p.E172D variant (also known as c.516A>C), located in coding exon 2 of the PIK3CA gene, results from an A to C substitution at nucleotide position 516. The glutamic acid at codon 172 is replaced by aspartic acid, an amino acid with highly similar properties. This amino acid position is conserved. In addition, this alteration is predicted to be tolerated by in silico analysis. Based on the available evidence, the clinical significance of this variant remains unclear.